The following is an entry in ClinVar:

ClinVar aggregate classification (germline): Uncertain significance. Review status: criteria provided, multiple submitters, no conflicts (2 of 4 stars). 4 submissions from 4 submitters: Uncertain significance (3). 1 of the submissions does not count toward it. Last evaluated 2024-06-26.

Conditions:
Hereditary cancer-predisposing syndrome. Also called: Neoplastic Syndromes, Hereditary; Hereditary Cancer Syndrome; Hereditary neoplastic syndrome; Tumor predisposition. Identifiers: Orphanet 140162, MedGen C0027672, MeSH D009386, MONDO:0015356.
PALB2-related disorder. Also called: PALB2-related condition; PALB2-related disorders.
Breast-ovarian cancer, familial, susceptibility to, 5 (BROVCA5). Identifiers: MedGen C5830615, MONDO:0957530, OMIM 620442.
Familial cancer of breast. Also called: BREAST CANCER, FAMILIAL; Hereditary breast cancer; hereditary breast carcinoma. Identifiers: Orphanet 227535, MedGen C0346153, MONDO:0016419, OMIM 114480. Disease mechanism: loss of function.

gnomAD v4.1: 1 of 1,613,328 alleles (0.000062%); highest among the groups gnomAD compares: Non-Finnish European, 0.000085%; no homozygotes.

Submissions (4):

Ambry Genetics
Classification: Uncertain significance for Hereditary cancer-predisposing syndrome. Last evaluated: 2024-06-26. Review status: criteria provided, single submitter. Criteria: Ambry Variant Classification Scheme 2023. Collection method: clinical testing. Allele origin: germline.
Comment: The p.E570Q variant (also known as c.1708G>C), located in coding exon 5 of the PALB2 gene, results from a G to C substitution at nucleotide position 1708. The glutamic acid at codon 570 is replaced by glutamine, an amino acid with highly similar properties. This amino acid position is conserved. In addition, this alteration is predicted to be tolerated by in silico analysis. Based on the available evidence, the clinical significance of this variant remains unclear.

Labcorp Genetics (formerly Invitae), Labcorp
Classification: Uncertain significance for Familial cancer of breast. Last evaluated: 2024-06-06. Review status: criteria provided, single submitter. Criteria: Invitae Variant Classification Sherloc (09022015). Collection method: clinical testing. Allele origin: germline.
Comment: This sequence change replaces glutamic acid, which is acidic and polar, with glutamine, which is neutral and polar, at codon 570 of the PALB2 protein (p.Glu570Gln). This variant is not present in population databases (gnomAD no frequency). This variant has not been reported in the literature in individuals affected with PALB2-related conditions. ClinVar contains an entry for this variant (Variation ID: 460909). Advanced modeling of protein sequence and biophysical properties (such as structural, functional, and spatial information, amino acid conservation, physicochemical variation, residue mobility, and thermodynamic stability) performed at Invitae indicates that this missense variant is not expected to disrupt PALB2 protein function with a negative predictive value of 80%. In summary, the available evidence is currently insufficient to determine the role of this variant in disease. Therefore, it has been classified as a Variant of Uncertain Significance.

Department of Pathology and Laboratory Medicine, Sinai Health System
Classification: Uncertain significance for Breast-ovarian cancer, familial, susceptibility to, 5. Last evaluated: 2022-08-11. Review status: criteria provided, single submitter. Criteria: ACMG Guidelines, 2015. Collection method: clinical testing. Allele origin: germline. Affected: yes.

PreventionGenetics, part of Exact Sciences
Classification: Uncertain significance for PALB2-related condition. Last evaluated: 2024-03-28. Review status: no assertion criteria provided. Collection method: clinical testing. Allele origin: germline. Not counted in ClinVar's aggregate classification.
Comment: The PALB2 c.1708G>C variant is predicted to result in the amino acid substitution p.Glu570Gln. To our knowledge, this variant has not been reported in the literature or in a large population database, indicating this variant is rare. An alternative variant at the same codon, p.Glu570Lys, has been observed in a patient with breast and/or ovarian cancer and was assessed as a variant of uncertain significance (Supplement, Gonzalez et al. 2022. PubMed ID: 35610400). At this time, the clinical significance of this variant is uncertain due to the absence of conclusive functional and genetic evidence.

NM_024675.4(PALB2):c.1708G>C (p.Glu570Gln)

Gene: PALB2 (partner and localizer of BRCA2; minus strand). Cytogenetic location: 16p12.2.
Variant type: single nucleotide variant.
Coding change: c.1708G>C on transcript NM_024675.4 (MANE Select); coding-DNA position 1708, G replaced by C.
Protein change: p.Glu570Gln; replaces glutamic acid 570 with glutamine.
Molecular consequence: missense variant.
Genome position (GRCh38, 1-based): chr16:23,630,446, C>G on the plus strand (G>C on the coding strand, the complement: PALB2 is on the minus strand). VCF-style: chr16-23630446-C-G. GRCh37 (hg19) VCF-style: chr16-23641767-C-G.
Other names: short protein forms E570Q.
Identifiers: ClinVar variation 460909 (VCV000460909.12), dbSNP rs786203747, ClinGen allele CA395128420.